The following is an entry in ClinVar:

NM_001277115.2(DNAH11):c.13183C>T (p.Arg4395Ter)

Gene: DNAH11 (dynein axonemal heavy chain 11; plus strand). Cytogenetic location: 7p15.3.
Variant type: single nucleotide variant.
Coding change: c.13183C>T on transcript NM_001277115.2 (MANE Select); coding-DNA position 13183, C replaced by T.
Protein change: p.Arg4395Ter; replaces arginine 4395 with a stop codon.
Molecular consequence: nonsense.
Genome position (GRCh38, 1-based): chr7:21,900,000, C>T. VCF-style: chr7-21900000-C-T. GRCh37 (hg19) VCF-style: chr7-21939618-C-T.
Other names: short protein forms R4395*.
Identifiers: ClinVar variation 525271 (VCV000525271.4), dbSNP rs757784023, ClinGen allele CA4183364.

ClinVar aggregate classification (germline): Pathogenic. Review status: criteria provided, multiple submitters, no conflicts (2 of 4 stars). 2 submissions from 2 submitters: Pathogenic (2). Last evaluated 2025-10-29.

Conditions:
Primary ciliary dyskinesia. Also called: Ciliary dyskinesia. Identifiers: Orphanet 244, MedGen C0008780, MONDO:0016575, HP:0012265.
Primary ciliary dyskinesia 7. Also called: CILIARY DYSKINESIA, PRIMARY, 7, WITH OR WITHOUT SITUS INVERSUS. Identifiers: Orphanet 244, MedGen C2678473, MONDO:0012748, OMIM 611884.

Allele frequency attached by ClinVar (database versions not stated): TOPMed below 0.00001; gnomAD 0.00001; gnomAD exomes 0.00001; ExAC 0.00002.
gnomAD v4.1: 21 of 1,613,534 alleles (0.0013%); highest among the groups gnomAD compares: Admixed American, 0.0017%; no homozygotes.

Submissions (2):

Clinical Genetics Laboratory, Skane University Hospital Lund
Classification: Pathogenic for Primary ciliary dyskinesia 7. Last evaluated: 2025-10-29. Review status: criteria provided, single submitter. Criteria: ACMG Guidelines, 2015. Collection method: clinical testing. Allele origin: germline. Inheritance: Autosomal recessive inheritance. Affected: yes.
Comment: ACMG criteria used: PVS1, PM2, PP1_Strong, PP4.

Labcorp Genetics (formerly Invitae), Labcorp
Classification: Pathogenic for Primary ciliary dyskinesia. Last evaluated: 2023-06-10. Review status: criteria provided, single submitter. Criteria: Invitae Variant Classification Sherloc (09022015). Collection method: clinical testing. Allele origin: germline.
Comment: This premature translational stop signal has been observed in individual(s) with primary ciliary dyskinesia, congenital heart disease and heterotaxy syndrome (PMID: 27637300, 31040315, 34210339). This sequence change creates a premature translational stop signal (p.Arg4395*) in the DNAH11 gene. It is expected to result in an absent or disrupted protein product. Loss-of-function variants in DNAH11 are known to be pathogenic (PMID: 18022865, 20513915, 22184204). The frequency data for this variant in the population databases is considered unreliable, as metrics indicate poor data quality at this position in the gnomAD database. ClinVar contains an entry for this variant (Variation ID: 525271). For these reasons, this variant has been classified as Pathogenic.

Literature cited by the submitters: PubMed 27637300 (cited by Labcorp Genetics (formerly Invitae), Labcorp); PubMed 31040315 (cited by Labcorp Genetics (formerly Invitae), Labcorp); PubMed 34210339 (cited by Labcorp Genetics (formerly Invitae), Labcorp); PubMed 18022865 (cited by Labcorp Genetics (formerly Invitae), Labcorp); PubMed 20513915 (cited by Labcorp Genetics (formerly Invitae), Labcorp); PubMed 22184204 (cited by Labcorp Genetics (formerly Invitae), Labcorp).